The following is an entry in ClinVar:

ClinVar aggregate classification (germline): Uncertain significance (1 of 4 stars; one submission).

Submission:

GeneDx
Classification: Uncertain significance. Last evaluated: 2026-02-24. Review status: criteria provided, single submitter. Criteria: GeneDx Variant Classification Process June 2021. Collection method: clinical testing. Allele origin: germline.
Comment: Not observed at significant frequency in large population cohorts (gnomAD); In silico analysis suggests that this variant does not alter splicing; Has not been previously published as pathogenic or benign to our knowledge

NM_018489.3(ASH1L):c.5086+2C>T

Gene: ASH1L (ASH1 like histone lysine methyltransferase; minus strand). Cytogenetic location: 1q22.
Variant type: single nucleotide variant.
Coding change: c.5086+2C>T on transcript NM_018489.3 (MANE Select); the canonical splice donor site of the intron after coding-DNA position 5086, C replaced by T.
Molecular consequence: splice donor variant.
Genome position (GRCh38, 1-based): chr1:155,459,795, G>A on the plus strand (C>T on the coding strand, the complement: ASH1L is on the minus strand). VCF-style: chr1-155459795-G-A. GRCh37 (hg19) VCF-style: chr1-155429586-G-A.
Other names: c.5086+2C>T (NM_001366177.2).
Identifiers: ClinVar variation 5007972 (VCV005007972.1).